The following is an entry in ClinVar:

NM_130837.3(OPA1):c.2012+4_2012+7del

Gene: OPA1 (OPA1 mitochondrial dynamin like GTPase; plus strand). Cytogenetic location: 3q29.
Variant type: Deletion.
Coding change: c.2012+4_2012+7del on transcript NM_130837.3 (MANE Select); bases 4 to 7 of the intron after coding-DNA position 2012, 4 bases deleted (AGTA; older notation c.2012+4_2012+7delAGTA).
Molecular consequence: splice donor variant.
Genome position (GRCh38, 1-based): chr3:193,648,875-193,648,878, AGTA deleted; deleting any 4 consecutive bases within chr3:193,648,872-193,648,878 gives the same sequence; the c. name uses the placement nearest the transcript's 3' end. VCF-style (leftmost placement, unchanged base first): chr3-193648871-GGTAA-G. GRCh37 (hg19) VCF-style: chr3-193366660-GGTAA-G.
Other names: c.1847+4_1847+7del (NM_015560.2, NM_015560.3); c.1475+4_1475+7del (NM_001354664.2); c.1478+4_1478+7del (NM_001354663.2); c.1901+4_1901+7del (NM_130834.3); c.1958+4_1958+7del (NM_130836.3); c.1904+4_1904+7del (NM_130835.3); c.1793+4_1793+7del (NM_130832.3); c.1850+4_1850+7del (NM_130833.3); and 1 more.
Identifiers: ClinVar variation 3250149 (VCV003250149.3).

ClinVar aggregate classification (germline): Pathogenic/Likely pathogenic. Review status: criteria provided, multiple submitters, no conflicts (2 of 4 stars). 3 submissions from 3 submitters: Pathogenic (1); Likely pathogenic (1). 1 of the submissions does not count toward it. Last evaluated 2025-10-09.

Conditions:
Optic atrophy. Identifiers: MedGen C0029124, MONDO:0003608, HP:0000648.
Autosomal dominant optic atrophy classic form (OPA1). Also called: Optic Atrophy Type 1; KJER-TYPE OPTIC ATROPHY; OPTIC ATROPHY, JUVENILE. Identifiers: Orphanet 98673, MedGen C0338508, MONDO:0008134, OMIM 165500.

Submissions (3):

Institute of Medical Genetics and Applied Genomics, University Hospital Tübingen
Classification: Pathogenic for Autosomal dominant optic atrophy classic form. Last evaluated: 2025-10-09. Review status: criteria provided, single submitter. Criteria: ACMG Guidelines, 2015. Collection method: clinical testing. Allele origin: germline. Inheritance: Autosomal dominant inheritance. Affected: yes.

Mayo Clinic Laboratories, Mayo Clinic
Classification: Likely pathogenic. Last evaluated: 2025-01-14. Review status: criteria provided, single submitter. Criteria: ACMG Guidelines, 2015. Collection method: clinical testing. Allele origin: germline. Observed: 1 variant allele.
Comment: PP3, PM2_supporting, PM6, PS4_moderate

Institute of Human Genetics, Univ. Regensburg, Univ. Regensburg
Classification: Likely pathogenic for Optic atrophy. Last evaluated: 2023-01-01. Review status: no assertion criteria provided. Criteria: ACMG Guidelines, 2015. Collection method: clinical testing. Allele origin: germline. Affected: yes. Not counted in ClinVar's aggregate classification.

Literature cited by the submitters: PubMed 19319978 (cited by Mayo Clinic Laboratories, Mayo Clinic); PubMed 28245802 (cited by Mayo Clinic Laboratories, Mayo Clinic); PubMed 33841295 (cited by Mayo Clinic Laboratories, Mayo Clinic); PubMed 34242285 (cited by Mayo Clinic Laboratories, Mayo Clinic).